The following is an entry in ClinVar:

NM_016373.4(WWOX):c.1088C>G (p.Ala363Gly)

Genes: MAF (MAF bZIP transcription factor; minus strand), WWOX (WW domain containing oxidoreductase; plus strand). Cytogenetic location: 16q23.2.
Variant type: single nucleotide variant.
Coding change: c.1088C>G on transcript NM_016373.4 (MANE Select); coding-DNA position 1088, C replaced by G.
Protein change: p.Ala363Gly; replaces alanine 363 with glycine.
Molecular consequence: missense variant.
Genome position (GRCh38, 1-based): chr16:79,211,639, C>G. VCF-style: chr16-79211639-C-G. GRCh37 (hg19) VCF-style: chr16-79245536-C-G.
Other names: c.749C>G, p.Ala250Gly (NM_001291997.2); c.1088C>G (NM_016373.2); short protein forms A363G, A250G.
Identifiers: ClinVar variation 1436911 (VCV001436911.5), dbSNP rs2051755192, ClinGen allele CA396537002.

ClinVar aggregate classification (germline): Uncertain significance. Review status: criteria provided, multiple submitters, no conflicts (2 of 4 stars). 2 submissions from 2 submitters: Uncertain significance (2). Last evaluated 2025-08-09.

Conditions:
Autosomal recessive spinocerebellar ataxia 12. Also called: SPINOCEREBELLAR ATAXIA WITH MENTAL RETARDATION AND EPILEPSY. Identifiers: Orphanet 284282, MedGen C3280452, MONDO:0013687, OMIM 614322.
Developmental and epileptic encephalopathy, 1 (DEE1). Also called: Epileptic encephalopathy, early infantile, 1; Tonic spasms with clustering, arrest of psychomotor development and hypsarrhythmia on EEG; X-Linked Infantile Spasm Syndrome; X-linked infantile spasms; West's syndrome; OHTAHARA SYNDROME, X-LINKED. Identifiers: MedGen C3463992, MONDO:0010632, OMIM 308350. Disease mechanism: loss of function.
Inborn genetic diseases. Identifiers: MedGen C0950123, MeSH D030342.

Allele frequency attached by ClinVar (database versions not stated): gnomAD exomes below 0.00001; gnomAD 0.00001.
gnomAD v4.1: 2 of 1,614,096 alleles (0.00012%); highest among the groups gnomAD compares: African/African-American, 0.0013%; no homozygotes.

Submissions (2):

Ambry Genetics
Classification: Uncertain significance for Inborn genetic diseases. Last evaluated: 2025-08-09. Review status: criteria provided, single submitter. Criteria: Ambry Variant Classification Scheme 2023. Collection method: clinical testing. Allele origin: germline.

Labcorp Genetics (formerly Invitae), Labcorp
Classification: Uncertain significance for Developmental and epileptic encephalopathy, 1; Autosomal recessive spinocerebellar ataxia 12. Last evaluated: 2022-07-05. Review status: criteria provided, single submitter. Criteria: Invitae Variant Classification Sherloc (09022015). Collection method: clinical testing. Allele origin: germline.
Comment: In summary, the available evidence is currently insufficient to determine the role of this variant in disease. Therefore, it has been classified as a Variant of Uncertain Significance. Algorithms developed to predict the effect of missense changes on protein structure and function are either unavailable or do not agree on the potential impact of this missense change (SIFT: "Not Available"; PolyPhen-2: "Benign"; Align-GVGD: "Not Available"). ClinVar contains an entry for this variant (Variation ID: 1436911). This variant has not been reported in the literature in individuals affected with WWOX-related conditions. This variant is not present in population databases (gnomAD no frequency). This sequence change replaces alanine with glycine at codon 363 of the WWOX protein (p.Ala363Gly). The alanine residue is moderately conserved and there is a small physicochemical difference between alanine and glycine.